The following is an entry in ClinVar:

NM_015192.4(PLCB1):c.200G>C (p.Ser67Thr)

Gene: PLCB1 (phospholipase C beta 1; plus strand). Cytogenetic location: 20p12.3.
Variant type: single nucleotide variant.
Coding change: c.200G>C on transcript NM_015192.4 (MANE Select); coding-DNA position 200, G replaced by C.
Protein change: p.Ser67Thr; replaces serine 67 with threonine.
Molecular consequence: missense variant.
Genome position (GRCh38, 1-based): chr20:8,371,404, G>C. VCF-style: chr20-8371404-G-C. GRCh37 (hg19) VCF-style: chr20-8352051-G-C.
Other names: c.200G>C, p.Ser67Thr (NM_182734.3); short protein forms S67T.
Identifiers: ClinVar variation 1450974 (VCV001450974.6), dbSNP rs775742325, ClinGen allele CA408262252.

ClinVar aggregate classification (germline): Uncertain significance (1 of 4 stars; one submission).

Conditions:
Developmental and epileptic encephalopathy, 12 (DEE12). Identifiers: MedGen C3150988, MONDO:0013389, OMIM 613722.

Submission:

Labcorp Genetics (formerly Invitae), Labcorp
Classification: Uncertain significance for Developmental and epileptic encephalopathy, 12. Last evaluated: 2021-11-27. Review status: criteria provided, single submitter. Criteria: Invitae Variant Classification Sherloc (09022015). Collection method: clinical testing. Allele origin: germline.
Comment: This sequence change replaces serine, which is neutral and polar, with threonine, which is neutral and polar, at codon 67 of the PLCB1 protein (p.Ser67Thr). This variant is not present in population databases (gnomAD no frequency). This variant has not been reported in the literature in individuals affected with PLCB1-related conditions. Algorithms developed to predict the effect of missense changes on protein structure and function (SIFT, PolyPhen-2, Align-GVGD) all suggest that this variant is likely to be tolerated. In summary, the available evidence is currently insufficient to determine the role of this variant in disease. Therefore, it has been classified as a Variant of Uncertain Significance.